The following is an entry in ClinVar:

NM_000143.4(FH):c.555+3del

Gene: FH (fumarate hydratase; minus strand). Cytogenetic location: 1q43.
Variant type: Deletion.
Coding change: c.555+3del on transcript NM_000143.4 (MANE Select); 3 bases into the intron after coding-DNA position 555, one base deleted (C; older notation c.555+3delC).
Molecular consequence: intron variant.
Genome position (GRCh38, 1-based): chr1:241,511,964, G deleted on the plus strand (C on the coding strand, the reverse complement: FH is on the minus strand). VCF-style (leftmost placement, unchanged base first): chr1-241511963-TG-T. GRCh37 (hg19) VCF-style: chr1-241675263-TG-T.
Other names: c.555+3delC (NM_000143.3).
Identifiers: ClinVar variation 460366 (VCV000460366.11), dbSNP rs1553341583, ClinGen allele CA658657001.

ClinVar aggregate classification (germline): Conflicting classifications of pathogenicity. Review status: criteria provided, conflicting classifications (1 of 4 stars). 2 submissions from 2 submitters: Uncertain significance (1); Likely benign (1). Last evaluated 2025-04-16.

Conditions:
Hereditary cancer-predisposing syndrome. Also called: Neoplastic Syndromes, Hereditary; Tumor predisposition; Hereditary Cancer Syndrome; Hereditary neoplastic syndrome. Identifiers: Orphanet 140162, MedGen C0027672, MeSH D009386, MONDO:0015356.

Allele frequency attached by ClinVar (database versions not stated): gnomAD exomes below 0.00001.

Submissions (2):

Ambry Genetics
Classification: Uncertain significance for Hereditary cancer-predisposing syndrome. Last evaluated: 2025-04-16. Review status: criteria provided, single submitter. Criteria: Ambry Variant Classification Scheme 2023. Collection method: clinical testing. Allele origin: germline.
Comment: The c.555+3delC intronic variant, located in intron 4 of the FH gene, results from a deletion of one nucleotide within intron 4 of the FH gene. This nucleotide position is not well conserved in available vertebrate species. In silico splice site analysis predicts that this alteration will result in the creation or strengthening of a novel splice donor site; however, direct evidence is insufficient at this time (Ambry internal data). Based on the available evidence, the clinical significance of this variant remains unclear.

Labcorp Genetics (formerly Invitae), Labcorp
Classification: Likely benign. Last evaluated: 2024-12-18. Review status: criteria provided, single submitter. Criteria: Invitae Variant Classification Sherloc (09022015). Collection method: clinical testing. Allele origin: germline.